The following is an entry in ClinVar:

NM_005228.5(EGFR):c.1007-3C>A

Genes: EGFR (epidermal growth factor receptor; plus strand), LOC126860048 (P300/CBP strongly-dependent group 1 enhancer GRCh37_chr7:55223847-55225046; plus strand). Cytogenetic location: 7p11.2.
Variant type: single nucleotide variant.
Coding change: c.1007-3C>A on transcript NM_005228.5 (MANE Select); 3 bases into the intron before coding-DNA position 1007, C replaced by A.
Molecular consequence: intron variant.
Genome position (GRCh38, 1-based): chr7:55,156,530, C>A. VCF-style: chr7-55156530-C-A. GRCh37 (hg19) VCF-style: chr7-55224223-C-A.
Other names: c.872-3C>A (NM_001346899.2, NM_001346897.2); c.206-3C>A (NM_001346941.2); c.1007-3C>A (NM_001346898.2, NM_201284.2, NM_201282.2 and 1 more transcripts); c.848-3C>A (NM_001346900.2).
Identifiers: ClinVar variation 4016679 (VCV004016679.1).

ClinVar aggregate classification (germline): Uncertain significance (1 of 4 stars; one submission).

Conditions:
Hereditary cancer-predisposing syndrome. Also called: Tumor predisposition; Hereditary neoplastic syndrome; Neoplastic Syndromes, Hereditary; Hereditary Cancer Syndrome. Identifiers: Orphanet 140162, MedGen C0027672, MeSH D009386, MONDO:0015356.

gnomAD v4.1: 1 of 1,614,186 alleles (0.000062%); highest among the groups gnomAD compares: African/African-American, 0.0013%; no homozygotes.

Submission:

Ambry Genetics
Classification: Uncertain significance for Hereditary cancer-predisposing syndrome. Last evaluated: 2025-03-17. Review status: criteria provided, single submitter. Criteria: Ambry Variant Classification Scheme 2023. Collection method: clinical testing. Allele origin: germline.
Comment: The c.1007-3C>A intronic variant results from a C to A substitution 3 nucleotides upstream from coding exon 9 in the EGFR gene. This nucleotide position is well conserved in available vertebrate species. In silico splice site analysis predicts that this alteration will weaken the native splice acceptor site. Based on the available evidence, the clinical significance of this variant remains unclear.